The following is an entry in ClinVar:

NM_000179.3(MSH6):c.1260C>G (p.Asn420Lys)

Gene: MSH6 (mutS homolog 6; plus strand). Cytogenetic location: 2p16.3.
Variant type: single nucleotide variant.
Coding change: c.1260C>G on transcript NM_000179.3 (MANE Select); coding-DNA position 1260, C replaced by G.
Protein change: p.Asn420Lys; replaces asparagine 420 with lysine.
Molecular consequence: missense variant.
Genome position (GRCh38, 1-based): chr2:47,799,243, C>G. VCF-style: chr2-47799243-C-G. GRCh37 (hg19) VCF-style: chr2-48026382-C-G.
Other names: c.870C>G, p.Asn290Lys (NM_001281492.2); c.354C>G, p.Asn118Lys (NM_001281493.2, NM_001281494.2); short protein forms N420K, N118K, N290K.
Identifiers: ClinVar variation 486897 (VCV000486897.12), dbSNP rs1114167752, ClinGen allele CA346743930.

ClinVar aggregate classification (germline): Uncertain significance. Review status: criteria provided, multiple submitters, no conflicts (2 of 4 stars). 4 submissions from 4 submitters: Uncertain significance (4). Last evaluated 2025-04-02.

Conditions:
Hereditary cancer-predisposing syndrome. Also called: Tumor predisposition; Hereditary Cancer Syndrome; Hereditary neoplastic syndrome; Neoplastic Syndromes, Hereditary. Identifiers: Orphanet 140162, MedGen C0027672, MeSH D009386, MONDO:0015356.
Hereditary nonpolyposis colorectal neoplasms. Identifiers: MedGen C0009405, MeSH D003123.

gnomAD v4.1: 1 of 1,614,126 alleles (0.000062%); highest among the groups gnomAD compares: Non-Finnish European, 0.000085%; no homozygotes.

Submissions (4):

Labcorp Genetics (formerly Invitae), Labcorp
Classification: Uncertain significance for Hereditary nonpolyposis colorectal neoplasms. Last evaluated: 2025-04-02. Review status: criteria provided, single submitter. Criteria: Invitae Variant Classification Sherloc (09022015). Collection method: clinical testing. Allele origin: germline.
Comment: This sequence change replaces asparagine, which is neutral and polar, with lysine, which is basic and polar, at codon 420 of the MSH6 protein (p.Asn420Lys). This variant is not present in population databases (gnomAD no frequency). This variant has not been reported in the literature in individuals affected with MSH6-related conditions. ClinVar contains an entry for this variant (Variation ID: 486897). Invitae Evidence Modeling of protein sequence and biophysical properties (such as structural, functional, and spatial information, amino acid conservation, physicochemical variation, residue mobility, and thermodynamic stability) indicates that this missense variant is not expected to disrupt MSH6 protein function with a negative predictive value of 95%. In summary, the available evidence is currently insufficient to determine the role of this variant in disease. Therefore, it has been classified as a Variant of Uncertain Significance.

Color Diagnostics, LLC DBA Color Health
Classification: Uncertain significance for Hereditary cancer-predisposing syndrome. Last evaluated: 2024-04-15. Review status: criteria provided, single submitter. Criteria: ACMG Guidelines, 2015. Collection method: clinical testing. Allele origin: germline.
Comment: This missense variant replaces asparagine with lysine at codon 420 of the MSH6 protein. Computational prediction is inconclusive regarding the impact of this variant on protein structure and function (internally defined REVEL score threshold 0.5 < inconclusive < 0.7, PMID: 27666373). To our knowledge, functional studies have not been reported for this variant. This variant has not been reported in individuals affected with MSH6-related disorders in the literature. This variant has not been identified in the general population by the Genome Aggregation Database (gnomAD). The available evidence is insufficient to determine the role of this variant in disease conclusively. Therefore, this variant is classified as a Variant of Uncertain Significance.

Sema4
Classification: Uncertain significance for Hereditary cancer-predisposing syndrome. Last evaluated: 2021-10-28. Review status: criteria provided, single submitter. Criteria: Sema4 Curation Guidelines. Collection method: curation. Allele origin: germline.
Comment: The MSH6 c.1260C>G (p.N420K) variant has not been reported in the literature to our knowledge. It was not observed in the large and broad cohorts of the Genome Aggregation Database. The variant has been reported in ClinVar (Variation ID: 486897). Functional studies have not been performed, and in silico predictions of the variant's effect on protein function are inconclusive. The evidence is insufficient to meet ACMG/AMP criteria for classifying the variant as benign or pathogenic. Thus, the clinical significance of this variant is currently uncertain.

Ambry Genetics
Classification: Uncertain significance for Hereditary cancer-predisposing syndrome. Last evaluated: 2018-03-16. Review status: criteria provided, single submitter. Criteria: Ambry Variant Classification Scheme 2023. Collection method: clinical testing. Allele origin: germline.
Comment: The p.N420K variant (also known as c.1260C>G), located in coding exon 4 of the MSH6 gene, results from a C to G substitution at nucleotide position 1260. The asparagine at codon 420 is replaced by lysine, an amino acid with similar properties. This amino acid position is not well conserved in available vertebrate species. In addition, the in silico prediction for this alteration is inconclusive. In addition, the CoDP in silico tool predicts this alteration is likely to impair molecular function, with a score of 0.806 (Terui H et al. J. Biomed. Sci. 2013;20:25). Since supporting evidence is limited at this time, the clinical significance of this alteration remains unclear.